The following is an entry in ClinVar:

NM_001194998.2(CEP152):c.4295del (p.Lys1432fs)

Gene: CEP152 (centrosomal protein 152; minus strand). Cytogenetic location: 15q21.1.
Variant type: Deletion.
Coding change: c.4295del on transcript NM_001194998.2 (MANE Select); coding-DNA position 4295, one base deleted (A; older notation c.4295delA).
Protein change: p.Lys1432fs; shifts the reading frame from lysine 1432.
Molecular consequence: frameshift variant.
Genome position (GRCh38, 1-based): chr15:48,739,087, T deleted on the plus strand (A on the coding strand, the reverse complement: CEP152 is on the minus strand); the first of 3 consecutive T bases (chr15:48,739,087-48,739,089); deleting any one gives the same sequence. VCF-style (leftmost placement, unchanged base first): chr15-48739086-CT-C. GRCh37 (hg19) VCF-style: chr15-49031283-CT-C.
Other names: c.4127del, p.Lys1376fs (NM_014985.4); short protein forms K1376fs, K1432fs.
Identifiers: ClinVar variation 817731 (VCV000817731.1), dbSNP rs1566971734, ClinGen allele CA618009528.

ClinVar aggregate classification (germline): Likely pathogenic (1 of 4 stars; one submission).

Submission:

GeneDx
Classification: Likely pathogenic. Last evaluated: 2018-07-11. Review status: criteria provided, single submitter. Criteria: GeneDx Variant Classification (06012015). Collection method: clinical testing. Allele origin: germline. Affected: yes.
Comment: The c.4127delA variant in the CEP152 gene has not been reported previously as a pathogenic variant nor as a benign variant, to our knowledge. The c.4127delA variant causes a frameshift starting with codon Lysine 1376, changes this amino acid to a Serine residue, and creates a premature Stop codon at position 22 of the new reading frame, denoted p.Lys1376SerfsX22. This variant is predicted to cause loss of normal protein function through protein truncation. The p.Lys1376SerfsX22 variant is not observed at a significant frequency in large population cohorts (Lek et al., 2016). We interpret p.Lys1376SerfsX22 as a likely pathogenic variant,